The following is an entry in ClinVar:

ClinVar aggregate classification (germline): Uncertain significance (1 of 4 stars; one submission).

Conditions:
Epidermodysplasia verruciformis. Identifiers: Orphanet 302, MedGen C0014522, MONDO:0009176.

Submission:

Labcorp Genetics (formerly Invitae), Labcorp
Classification: Uncertain significance for Epidermodysplasia verruciformis. Last evaluated: 2022-08-09. Review status: criteria provided, single submitter. Criteria: Invitae Variant Classification Sherloc (09022015). Collection method: clinical testing. Allele origin: germline.
Comment: This sequence change replaces arginine, which is basic and polar, with cysteine, which is neutral and slightly polar, at codon 702 of the TMC8 protein (p.Arg702Cys). This variant is not present in population databases (gnomAD no frequency). This variant has not been reported in the literature in individuals affected with TMC8-related conditions. ClinVar contains an entry for this variant (Variation ID: 1500254). Algorithms developed to predict the effect of missense changes on protein structure and function are either unavailable or do not agree on the potential impact of this missense change (SIFT: "Deleterious"; PolyPhen-2: "Benign"; Align-GVGD: "Class C0"). In summary, the available evidence is currently insufficient to determine the role of this variant in disease. Therefore, it has been classified as a Variant of Uncertain Significance.

NM_152468.5(TMC8):c.2104C>T (p.Arg702Cys)

Gene: TMC8 (transmembrane channel like 8; plus strand). Cytogenetic location: 17q25.3.
Variant type: single nucleotide variant.
Coding change: c.2104C>T on transcript NM_152468.5 (MANE Select); coding-DNA position 2104, C replaced by T.
Protein change: p.Arg702Cys; replaces arginine 702 with cysteine.
Molecular consequence: missense variant.
Genome position (GRCh38, 1-based): chr17:78,141,035, C>T. VCF-style: chr17-78141035-C-T. GRCh37 (hg19) VCF-style: chr17-76137116-C-T.
Other names: short protein forms R702C.
Identifiers: ClinVar variation 1500254 (VCV001500254.8), dbSNP rs1461595373, ClinGen allele CA401254714.